The following is an entry in ClinVar:

ClinVar aggregate classification (germline): Uncertain significance (1 of 4 stars; one submission).

Submission:

Labcorp Genetics (formerly Invitae), Labcorp
Classification: Uncertain significance. Last evaluated: 2025-08-30. Review status: criteria provided, single submitter. Criteria: Invitae Variant Classification Sherloc (09022015). Collection method: clinical testing. Allele origin: germline.
Comment: This sequence change replaces glycine, which is neutral and non-polar, with glutamic acid, which is acidic and polar, at codon 527 of the KLC2 protein (p.Gly527Glu). This variant is not present in population databases (gnomAD no frequency). This variant has not been reported in the literature in individuals affected with KLC2-related conditions. An algorithm developed to predict the effect of missense changes on protein structure and function (PolyPhen-2) suggests that this variant is likely to be tolerated. In summary, the available evidence is currently insufficient to determine the role of this variant in disease. Therefore, it has been classified as a Variant of Uncertain Significance.

NM_001318734.2(KLC2):c.1580G>A (p.Gly527Glu)

Gene: KLC2 (kinesin light chain 2; plus strand). Cytogenetic location: 11q13.2.
Variant type: single nucleotide variant.
Coding change: c.1580G>A on transcript NM_001318734.2 (MANE Select); coding-DNA position 1580, G replaced by A.
Protein change: p.Gly527Glu; replaces glycine 527 with glutamic acid.
Molecular consequence: missense variant.
Genome position (GRCh38, 1-based): chr11:66,265,990, G>A. VCF-style: chr11-66265990-G-A. GRCh37 (hg19) VCF-style: chr11-66033461-G-A.
Other names: c.1349G>A, p.Gly450Glu (NM_001134774.2); c.1580G>A, p.Gly527Glu (NM_001134775.2, NM_001134776.2, NM_022822.3); short protein forms G527E, G450E.
Identifiers: ClinVar variation 4750717 (VCV004750717.1).
Genomic context (GRCh38, chr11:66,265,990, plus strand): 5'-GCAGCCGAGACATGGCTGGGGGTGCCGGGCCTCGGTCTGAGTCTGACCTCGAGGACGTGG[G>A]ACCTACAGCTGAGTGGAATGGGGTGAGTCCGGGGCCTGGGCCGGGTCGGGCTGGGAGCCT-3'
Protein context (NP_001305663.1, residues 517-537): PRSESDLEDV[Gly527Glu]PTAEWNGDGS